The following is an entry in ClinVar:

ClinVar aggregate classification (germline): Benign (1 of 4 stars; one submission).

Conditions:
Familial cancer of breast. Also called: BREAST CANCER, FAMILIAL; Hereditary breast cancer; hereditary breast carcinoma. Identifiers: Orphanet 227535, MedGen C0346153, MONDO:0016419, OMIM 114480. Disease mechanism: loss of function.

Submission:

Myriad Genetics, Inc.
Classification: Benign for Familial cancer of breast. Last evaluated: 2024-05-22. Review status: criteria provided, single submitter. Criteria: Myriad Autosomal Dominant, Autosomal Recessive and X-Linked Classification Criteria (2023). Collection method: clinical testing. Allele origin: unknown.
Comment: This variant is considered benign. This variant is a silent/synonymous amino acid change and it is not expected to impact splicing.

NM_000051.4(ATM):c.5253G>A (p.Glu1751=)

Gene: ATM (ATM serine/threonine kinase; plus strand). Cytogenetic location: 11q22.3.
Variant type: single nucleotide variant.
Coding change: c.5253G>A on transcript NM_000051.4 (MANE Select); coding-DNA position 5253, G replaced by A.
Protein change: p.Glu1751=; no amino-acid change (glutamic acid 1751 retained).
Molecular consequence: synonymous variant.
Genome position (GRCh38, 1-based): chr11:108,301,723, G>A. VCF-style: chr11-108301723-G-A. GRCh37 (hg19) VCF-style: chr11-108172450-G-A.
Other names: c.5253G>A, p.Glu1751= (NM_001351834.2).
Identifiers: ClinVar variation 3253953 (VCV003253953.1), dbSNP rs1370155496.